The following is an entry in ClinVar:

NM_000321.3(RB1):c.83C>T (p.Pro28Leu)

Gene: RB1 (RB transcriptional corepressor 1; plus strand). Cytogenetic location: 13q14.2.
Variant type: single nucleotide variant.
Coding change: c.83C>T on transcript NM_000321.3 (MANE Select); coding-DNA position 83, C replaced by T.
Protein change: p.Pro28Leu; replaces proline 28 with leucine.
Molecular consequence: missense variant.
Genome position (GRCh38, 1-based): chr13:48,303,995, C>T. VCF-style: chr13-48303995-C-T. GRCh37 (hg19) VCF-style: chr13-48878131-C-T.
Other names: short protein forms P28L.
Identifiers: ClinVar variation 568297 (VCV000568297.15), dbSNP rs776175164, ClinGen allele CA388250287.

ClinVar aggregate classification (germline): Conflicting classifications of pathogenicity. Review status: criteria provided, conflicting classifications (1 of 4 stars). 4 submissions from 4 submitters: Uncertain significance (3); Likely benign (1). Last evaluated 2025-06-11.

Conditions:
Retinoblastoma (RB1). Also called: RETINOBLASTOMA, SOMATIC. Identifiers: Orphanet 790, MedGen C0035335, MeSH D012175, MONDO:0008380, OMIM 180200, HP:0009919. Disease mechanism: loss of function. Inheritance: Both sporadic and heritable forms are tested..
Hereditary cancer-predisposing syndrome. Also called: Neoplastic Syndromes, Hereditary; Tumor predisposition; Hereditary neoplastic syndrome; Hereditary Cancer Syndrome. Identifiers: Orphanet 140162, MedGen C0027672, MeSH D009386, MONDO:0015356.

gnomAD v4.1: 6 of 1,497,848 alleles (0.0004%); highest among the groups gnomAD compares: Middle Eastern, 0.023%; no homozygotes.

Submissions (4):

Labcorp Genetics (formerly Invitae), Labcorp
Classification: Likely benign for Retinoblastoma. Last evaluated: 2025-06-11. Review status: criteria provided, single submitter. Criteria: Invitae Variant Classification Sherloc (09022015). Collection method: clinical testing. Allele origin: germline.

Ambry Genetics
Classification: Uncertain significance for Hereditary cancer-predisposing syndrome. Last evaluated: 2024-11-08. Review status: criteria provided, single submitter. Criteria: Ambry Variant Classification Scheme 2023. Collection method: clinical testing. Allele origin: germline.
Comment: The p.P28L variant (also known as c.83C>T), located in coding exon 1 of the RB1 gene, results from a C to T substitution at nucleotide position 83. The proline at codon 28 is replaced by leucine, an amino acid with similar properties. This amino acid position is highly conserved in available vertebrate species. In addition, the in silico prediction for this alteration is inconclusive. Based on the available evidence, the clinical significance of this variant remains unclear.

All of Us Research Program, National Institutes of Health
Classification: Uncertain significance for Retinoblastoma. Last evaluated: 2024-01-11. Review status: criteria provided, single submitter. Criteria: ACMG Guidelines, 2015. Collection method: clinical testing. Allele origin: germline. Inheritance: Autosomal dominant inheritance. Observed: 1 variant allele, 1 heterozygote.
Comment: This study involves interpretation of variants in research participants for the purpose of population health screening. Participant phenotype was not available at the time of variant classification. Additional details can be found in publication PMID: 35346344, PMCID: PMC8962531

GeneDx
Classification: Uncertain significance. Last evaluated: 2022-08-03. Review status: criteria provided, single submitter. Criteria: GeneDx Variant Classification Process June 2021. Collection method: clinical testing. Allele origin: germline. Affected: yes.
Comment: Not observed at significant frequency in large population cohorts (gnomAD); In silico analysis supports that this missense variant does not alter protein structure/function; Has not been previously published as pathogenic or benign to our knowledge; This variant is associated with the following publications: (PMID: 23516486)